The following is an entry in ClinVar:

NM_000410.3(HFE):c.-48C>G

Genes: HFE (homeostatic iron regulator; plus strand), HFE-AS1 (HFE antisense RNA 1; minus strand). Cytogenetic location: 6p22.2.
Variant type: single nucleotide variant.
Coding change: c.-48C>G on transcript NM_000410.3; 48 bases upstream of the start codon, C replaced by G.
Molecular consequence: non-coding transcript variant (on NR_144383.1).
Genome position (GRCh38, 1-based): chr6:26,087,393, C>G. VCF-style: chr6-26087393-C-G. GRCh37 (hg19) VCF-style: chr6-26087621-C-G.
Identifiers: ClinVar variation 906711 (VCV000906711.6), dbSNP rs41266793, ClinGen allele CA3666532.

ClinVar aggregate classification (germline): Benign (1 of 4 stars; one submission).

Conditions:
Hemochromatosis type 1 (HFE1). Also called: HFE-Related Hemochromatosis; HFE-Associated Hereditary Hemochromatosis. Identifiers: Orphanet 465508, MedGen C3469186, MONDO:0021001, OMIM 235200. Disease mechanism: loss of function.

Allele frequency attached by ClinVar (database versions not stated): ESP Exome Variant Server 0.00077; 1000 Genomes Project 30x 0.00109; TOPMed 0.00104; 1000 Genomes Project 0.00120.

Submission:

Illumina Laboratory Services, Illumina
Classification: Benign for Hemochromatosis type 1. Last evaluated: 2017-04-27. Review status: criteria provided, single submitter. Criteria: ICSL Variant Classification Criteria 13 December 2019. Collection method: clinical testing. Allele origin: germline.
Comment: This variant was observed as part of a predisposition screen in an ostensibly healthy population. A literature search was performed for the gene, cDNA change, and amino acid change (where applicable). Publications were found based on this search. The evidence from the literature, in combination with allele frequency data from public databases where available, was sufficient to rule this variant out of causing disease. Therefore, this variant is classified as benign.

Literature cited by the submitters: PubMed 10950943.